The following is an entry in ClinVar:

ClinVar aggregate classification (germline): Uncertain significance (1 of 4 stars; one submission).

Submission:

Labcorp Genetics (formerly Invitae), Labcorp
Classification: Uncertain significance. Last evaluated: 2023-03-18. Review status: criteria provided, single submitter. Criteria: Invitae Variant Classification Sherloc (09022015). Collection method: clinical testing. Allele origin: germline.
Comment: In summary, the available evidence is currently insufficient to determine the role of this variant in disease. Therefore, it has been classified as a Variant of Uncertain Significance. Advanced modeling of protein sequence and biophysical properties (such as structural, functional, and spatial information, amino acid conservation, physicochemical variation, residue mobility, and thermodynamic stability) performed at Invitae indicates that this missense variant is not expected to disrupt CTNNA1 protein function. This variant has not been reported in the literature in individuals affected with CTNNA1-related conditions. This variant is not present in population databases (gnomAD no frequency). This sequence change replaces aspartic acid, which is acidic and polar, with alanine, which is neutral and non-polar, at codon 639 of the CTNNA1 protein (p.Asp639Ala).

NM_001903.5(CTNNA1):c.1916A>C (p.Asp639Ala)

Gene: CTNNA1 (catenin alpha 1; plus strand). Cytogenetic location: 5q31.2.
Variant type: single nucleotide variant.
Coding change: c.1916A>C on transcript NM_001903.5 (MANE Select); coding-DNA position 1916, A replaced by C.
Protein change: p.Asp639Ala; replaces aspartic acid 639 with alanine.
Molecular consequence: missense variant.
Genome position (GRCh38, 1-based): chr5:138,929,262, A>C. VCF-style: chr5-138929262-A-C. GRCh37 (hg19) VCF-style: chr5-138264951-A-C.
Other names: c.1916A>C, p.Asp639Ala (NM_001290307.3, NM_001323982.2, NM_001323983.1 and 2 more transcripts); c.1607A>C, p.Asp536Ala (NM_001290309.3); c.1547A>C, p.Asp516Ala (NM_001290310.3); c.806A>C, p.Asp269Ala (NM_001290312.1, NM_001323987.1, NM_001323988.1 and 17 more transcripts); c.1823A>C, p.Asp608Ala (NM_001323986.2); c.467A>C, p.Asp156Ala (NM_001324006.1, NM_001324007.1, NM_001324008.1 and 2 more transcripts); c.713A>C, p.Asp238Ala (NM_001324011.1); c.563A>C, p.Asp188Ala (NM_001324012.1, NM_001324013.1); short protein forms D536A, D188A, D269A, D639A, D238A, D156A, D516A, D608A.
Identifiers: ClinVar variation 2846810 (VCV002846810.3), dbSNP rs2533819885, ClinGen allele CA361132703.